The following is an entry in ClinVar:

NM_000179.3(MSH6):c.1835del (p.Ser612fs)

Gene: MSH6 (mutS homolog 6; plus strand). Cytogenetic location: 2p16.3.
Variant type: Deletion.
Coding change: c.1835del on transcript NM_000179.3 (MANE Select); coding-DNA position 1835, one base deleted (C; older notation c.1835delC).
Protein change: p.Ser612fs; shifts the reading frame from serine 612.
Molecular consequence: frameshift variant.
Genome position (GRCh38, 1-based): chr2:47,799,818, C deleted. VCF-style (leftmost placement, unchanged base first): chr2-47799817-TC-T. GRCh37 (hg19) VCF-style: chr2-48026956-TC-T.
Other names: c.1445del, p.Ser482fs (NM_001281492.2); c.929del, p.Ser310fs (NM_001281493.2, NM_001281494.2); short protein forms S310fs, S482fs, S612fs.
Identifiers: ClinVar variation 944508 (VCV000944508.8), dbSNP rs1669380698, ClinGen allele CA1139655649.
Genomic context (GRCh38, chr2:47,799,817, plus strand): 5'-GTACAAGTTTTATTTGAAAAAGGAAATCTCTCAAAGGAAACTAAAACAATTCTAAAGAGT[TC>T]ATTGTCCTGTTCTCTTCAGGAAGGTCTGATACCCGGCTCCCAGTTTTGGGATGCATCCAA-3'

ClinVar aggregate classification (germline): Pathogenic (1 of 4 stars; one submission).

Conditions:
Hereditary nonpolyposis colorectal neoplasms. Identifiers: MedGen C0009405, MeSH D003123.

Allele frequency attached by ClinVar (database versions not stated): gnomAD exomes below 0.00001.

Submission:

Labcorp Genetics (formerly Invitae), Labcorp
Classification: Pathogenic for Hereditary nonpolyposis colorectal neoplasms. Last evaluated: 2020-02-02. Review status: criteria provided, single submitter. Criteria: Invitae Variant Classification Sherloc (09022015). Collection method: clinical testing. Allele origin: germline.
Comment: This variant is not present in population databases (ExAC no frequency). This variant has not been reported in the literature in individuals with MSH6-related conditions. Loss-of-function variants in MSH6 are known to be pathogenic (PMID: 18269114, 24362816). For these reasons, this variant has been classified as Pathogenic. This sequence change creates a premature translational stop signal (p.Ser612Tyrfs*10) in the MSH6 gene. It is expected to result in an absent or disrupted protein product.

Literature cited by the submitters: PubMed 18269114; PubMed 24362816.